The following is an entry in ClinVar:

ClinVar aggregate classification (germline): Uncertain significance (1 of 4 stars; one submission).

Conditions:
Dilated cardiomyopathy 1W (CMD1W). Identifiers: Orphanet 154, MedGen C1969639, MONDO:0012667, OMIM 611407.

gnomAD v4.1: 1 of 1,614,108 alleles (0.000062%); no homozygotes.

Submission:

Labcorp Genetics (formerly Invitae), Labcorp
Classification: Uncertain significance for Dilated cardiomyopathy 1W. Last evaluated: 2023-09-29. Review status: criteria provided, single submitter. Criteria: Invitae Variant Classification Sherloc (09022015). Collection method: clinical testing. Allele origin: germline.
Comment: An algorithm developed to predict the effect of missense changes on protein structure and function (PolyPhen-2) suggests that this variant is likely to be disruptive. This sequence change replaces aspartic acid, which is acidic and polar, with glutamic acid, which is acidic and polar, at codon 704 of the VCL protein (p.Asp704Glu). This variant is not present in population databases (gnomAD no frequency). This variant has not been reported in the literature in individuals affected with VCL-related conditions. In summary, the available evidence is currently insufficient to determine the role of this variant in disease. Therefore, it has been classified as a Variant of Uncertain Significance.

NM_014000.3(VCL):c.2112T>G (p.Asp704Glu)

Gene: VCL (vinculin; plus strand). Cytogenetic location: 10q22.2.
Variant type: single nucleotide variant.
Coding change: c.2112T>G on transcript NM_014000.3 (MANE Select); coding-DNA position 2112, T replaced by G.
Protein change: p.Asp704Glu; replaces aspartic acid 704 with glutamic acid.
Molecular consequence: missense variant.
Genome position (GRCh38, 1-based): chr10:74,103,909, T>G. VCF-style: chr10-74103909-T-G. GRCh37 (hg19) VCF-style: chr10-75863667-T-G.
Other names: c.2112T>G, p.Asp704Glu (NM_003373.4); short protein forms D704E.
Identifiers: ClinVar variation 2764227 (VCV002764227.3), dbSNP rs1479037833, ClinGen allele CA377261400.